The following is an entry in ClinVar:

ClinVar aggregate classification (germline): Uncertain significance (1 of 4 stars; one submission).

Submission:

Labcorp Genetics (formerly Invitae), Labcorp
Classification: Uncertain significance. Last evaluated: 2022-04-10. Review status: criteria provided, single submitter. Criteria: Invitae Variant Classification Sherloc (09022015). Collection method: clinical testing. Allele origin: germline.
Comment: This sequence change replaces leucine, which is neutral and non-polar, with glutamine, which is neutral and polar, at codon 88 of the ISCA2 protein (p.Leu88Gln). This variant is not present in population databases (gnomAD no frequency). In summary, the available evidence is currently insufficient to determine the role of this variant in disease. Therefore, it has been classified as a Variant of Uncertain Significance. Algorithms developed to predict the effect of missense changes on protein structure and function (SIFT, PolyPhen-2, Align-GVGD) all suggest that this variant is likely to be disruptive. This variant has not been reported in the literature in individuals affected with ISCA2-related conditions.

NM_194279.4(ISCA2):c.263T>A (p.Leu88Gln)

Gene: ISCA2 (iron-sulfur cluster assembly 2; plus strand). Cytogenetic location: 14q24.3.
Variant type: single nucleotide variant.
Coding change: c.263T>A on transcript NM_194279.4 (MANE Select); coding-DNA position 263, T replaced by A.
Protein change: p.Leu88Gln; replaces leucine 88 with glutamine.
Molecular consequence: missense variant. On other transcripts: intron variant (1).
Genome position (GRCh38, 1-based): chr14:74,494,363, T>A. VCF-style: chr14-74494363-T-A. GRCh37 (hg19) VCF-style: chr14-74961066-T-A.
Other names: c.174+211T>A (NM_001272007.2); short protein forms L88Q.
Identifiers: ClinVar variation 2124307 (VCV002124307.4), dbSNP rs2506119682, ClinGen allele CA390378920.
Genomic context (GRCh38, chr14:74,494,363, plus strand): 5'-AATTCCTCAGGCTGCAAGTGGAGGGAGGTGGATGCTCCGGATTCCAATACAAATTTTCAC[T>A]GGATACAGTTATCAACCCCGACGACAGGCAAGGAGGAAGGGGTGGGCCCCCAAAGGAGGT-3'
Protein context (NP_919255.2, residues 78-98): GCSGFQYKFS[Leu88Gln]DTVINPDDRV